The following is an entry in ClinVar:

NM_145239.3(PRRT2):c.58G>A (p.Val20Ile)

Genes: MVP-DT (MVP divergent transcript; minus strand), PRRT2 (proline rich transmembrane protein 2; plus strand). Cytogenetic location: 16p11.2.
Variant type: single nucleotide variant.
Coding change: c.58G>A on transcript NM_145239.3 (MANE Select); coding-DNA position 58, G replaced by A.
Protein change: p.Val20Ile; replaces valine 20 with isoleucine.
Molecular consequence: missense variant.
Genome position (GRCh38, 1-based): chr16:29,813,112, G>A. VCF-style: chr16-29813112-G-A. GRCh37 (hg19) VCF-style: chr16-29824433-G-A.
Other names: c.58G>A, p.Val20Ile (NM_001256442.2, NM_001256443.2); short protein forms V20I.
Identifiers: ClinVar variation 2183022 (VCV002183022.4), dbSNP rs1900059334, ClinGen allele CA395477107.

ClinVar aggregate classification (germline): Uncertain significance (1 of 4 stars; one submission).

Conditions:
Episodic kinesigenic dyskinesia (EKD). Also called: Paroxysmal kinesigenic dyskinesia. Identifiers: Orphanet 98809, MedGen C1868682, MONDO:0044202.

Submission:

Labcorp Genetics (formerly Invitae), Labcorp
Classification: Uncertain significance for Episodic kinesigenic dyskinesia. Last evaluated: 2024-04-17. Review status: criteria provided, single submitter. Criteria: Invitae Variant Classification Sherloc (09022015). Collection method: clinical testing. Allele origin: germline.
Comment: This sequence change replaces valine, which is neutral and non-polar, with isoleucine, which is neutral and non-polar, at codon 20 of the PRRT2 protein (p.Val20Ile). This variant is not present in population databases (gnomAD no frequency). This variant has not been reported in the literature in individuals affected with PRRT2-related conditions. ClinVar contains an entry for this variant (Variation ID: 2183022). Advanced modeling of protein sequence and biophysical properties (such as structural, functional, and spatial information, amino acid conservation, physicochemical variation, residue mobility, and thermodynamic stability) performed at Invitae indicates that this missense variant is not expected to disrupt PRRT2 protein function with a negative predictive value of 95%. In summary, the available evidence is currently insufficient to determine the role of this variant in disease. Therefore, it has been classified as a Variant of Uncertain Significance.